The following is an entry in ClinVar:

NM_006059.4(LAMC3):c.2846G>A (p.Arg949Lys)

Gene: LAMC3 (laminin subunit gamma 3; plus strand). Cytogenetic location: 9q34.12.
Variant type: single nucleotide variant.
Coding change: c.2846G>A on transcript NM_006059.4 (MANE Select); coding-DNA position 2846, G replaced by A.
Protein change: p.Arg949Lys; replaces arginine 949 with lysine.
Molecular consequence: missense variant.
Genome position (GRCh38, 1-based): chr9:131,069,006, G>A. VCF-style: chr9-131069006-G-A. GRCh37 (hg19) VCF-style: chr9-133944393-G-A.
Other names: short protein forms R949K.
Identifiers: ClinVar variation 1312875 (VCV001312875.2), dbSNP rs1829992999, ClinGen allele CA375254945.
Genomic context (GRCh38, chr9:131,069,006, plus strand): 5'-GCCATCCCAAGACTGGACAGTGCACCTGCCGCCCAGGTGTCACAGGCCAGGCCTGTGACA[G>A]GTGCCAGCTGGGTTTCTTCGGCTTCTCCATCAAGGGCTGCCGGGGTAAGGAGGCTGGGTC-3'
Protein context (NP_006050.3, residues 939-959): RPGVTGQACD[Arg949Lys]CQLGFFGFSI

ClinVar aggregate classification (germline): Uncertain significance (1 of 4 stars; one submission).

Allele frequency attached by ClinVar (database versions not stated): TOPMed below 0.00001.

Submission:

GeneDx
Classification: Uncertain significance. Last evaluated: 2020-07-06. Review status: criteria provided, single submitter. Criteria: GeneDx Variant Classification Process June 2021. Collection method: clinical testing. Allele origin: germline. Affected: yes.
Comment: Not observed in large population cohorts (Lek et al., 2016); In silico analysis supports that this missense variant does not alter protein structure/function; Has not been previously published as pathogenic or benign to our knowledge